The following is an entry in ClinVar:

NM_007194.4(CHEK2):c.725del (p.Thr242fs)

Gene: CHEK2 (checkpoint kinase 2; minus strand). Cytogenetic location: 22q12.1.
Variant type: Deletion.
Coding change: c.725del on transcript NM_007194.4 (MANE Select); coding-DNA position 725, one base deleted (C; older notation c.725delC).
Protein change: p.Thr242fs; shifts the reading frame from threonine 242.
Molecular consequence: frameshift variant.
Genome position (GRCh38, 1-based): chr22:28,711,976, G deleted on the plus strand (C on the coding strand, the reverse complement: CHEK2 is on the minus strand). VCF-style (leftmost placement, unchanged base first): chr22-28711975-TG-T. GRCh37 (hg19) VCF-style: chr22-29107963-TG-T.
Other names: c.854delC, p.Thr285Asnfs (NM_001005735.3); c.62delC, p.Thr21Asnfs (NM_001257387.3); c.524delC, p.Thr175Asnfs (NM_001349956.3); c.725delC, p.Thr242Asnfs (NM_145862.3); short protein forms T285fs, T21fs, T175fs, T242fs.
Identifiers: ClinVar variation 2824365 (VCV002824365.3), dbSNP rs2517962228, ClinGen allele CA2739265668.

ClinVar aggregate classification (germline): Pathogenic (1 of 4 stars; one submission).

Conditions:
Familial cancer of breast. Also called: Hereditary breast cancer; BREAST CANCER, FAMILIAL; hereditary breast carcinoma. Identifiers: Orphanet 227535, MedGen C0346153, MONDO:0016419, OMIM 114480. Disease mechanism: loss of function.

Submission:

Labcorp Genetics (formerly Invitae), Labcorp
Classification: Pathogenic for Familial cancer of breast. Last evaluated: 2022-12-26. Review status: criteria provided, single submitter. Criteria: Invitae Variant Classification Sherloc (09022015). Collection method: clinical testing. Allele origin: germline.
Comment: For these reasons, this variant has been classified as Pathogenic. This variant has not been reported in the literature in individuals affected with CHEK2-related conditions. This variant is not present in population databases (gnomAD no frequency). This sequence change creates a premature translational stop signal (p.Thr242Asnfs*5) in the CHEK2 gene. It is expected to result in an absent or disrupted protein product. Loss-of-function variants in CHEK2 are known to be pathogenic (PMID: 21876083, 24713400).

Literature cited by the submitters: PubMed 21876083; PubMed 24713400.